The following is an entry in ClinVar:

ClinVar aggregate classification (germline): Pathogenic/Likely pathogenic. Review status: criteria provided, multiple submitters, no conflicts (2 of 4 stars). 2 submissions from 2 submitters: Pathogenic (1); Likely pathogenic (1). Last evaluated 2026-01-04.

Conditions:
Tay-Sachs disease (TSD). Also called: HEXA DEFICIENCY; GM2 gangliosidosis, type 1; Hexosaminidase alpha-subunit deficiency (variant B); Sphingolipidosis, Tay-Sachs; Hexosaminidase A Deficiency; HEXA Disorders. Identifiers: Orphanet 845, MedGen C0039373, MONDO:0010100, OMIM 272800.

Submissions (2):

Natera, Inc.
Classification: Likely pathogenic for Tay-Sachs disease. Last evaluated: 2026-01-04. Review status: criteria provided, single submitter. Criteria: Natera Variant Classification Schema (03/2026). Collection method: clinical testing. Allele origin: germline.
Comment: The c.1364delG variant in HEXA is a frameshift variant predicted to shift the reading frame beginning at codon 455 and leads to a stop codon 35 codons downstream. This variant is expected to result in nonsense mediated decay, truncation, or a dysfunctional protein product. This variant is rare in the general population with a frequency below the threshold expected for the associated phenotype(s). Given the available evidence, this variant is classified as Likely Pathogenic.

Labcorp Genetics (formerly Invitae), Labcorp
Classification: Pathogenic for Tay-Sachs disease. Last evaluated: 2023-02-14. Review status: criteria provided, single submitter. Criteria: Invitae Variant Classification Sherloc (09022015). Collection method: clinical testing. Allele origin: germline.
Comment: This sequence change creates a premature translational stop signal (p.Gly455Glufs*35) in the HEXA gene. It is expected to result in an absent or disrupted protein product. Loss-of-function variants in HEXA are known to be pathogenic (PMID: 1833974, 8490625). This variant is not present in population databases (gnomAD no frequency). This variant has not been reported in the literature in individuals affected with HEXA-related conditions. For these reasons, this variant has been classified as Pathogenic.

Literature cited by the submitters: PubMed 1833974 (cited by Labcorp Genetics (formerly Invitae), Labcorp); PubMed 8490625 (cited by Labcorp Genetics (formerly Invitae), Labcorp).

NM_000520.6(HEXA):c.1364del (p.Gly455fs)

Gene: HEXA (hexosaminidase subunit alpha; minus strand). Cytogenetic location: 15q23.
Variant type: Deletion.
Coding change: c.1364del on transcript NM_000520.6 (MANE Select); coding-DNA position 1364, one base deleted (G; older notation c.1364delG).
Protein change: p.Gly455fs; shifts the reading frame from glycine 455.
Molecular consequence: frameshift variant. On other transcripts: non-coding transcript variant (1).
Genome position (GRCh38, 1-based): chr15:72,346,292, C deleted on the plus strand (G on the coding strand, the reverse complement: HEXA is on the minus strand); the first of 2 consecutive C bases (chr15:72,346,292-72,346,293); deleting either gives the same sequence. VCF-style (leftmost placement, unchanged base first): chr15-72346291-TC-T. GRCh37 (hg19) VCF-style: chr15-72638632-TC-T.
Other names: c.1364delG (NM_000520.5); c.1397del, p.Gly466fs (NM_001318825.2); short protein forms G466fs, G455fs.
Identifiers: ClinVar variation 2837025 (VCV002837025.4), dbSNP rs2542512849, ClinGen allele CA2739269539.